The following is an entry in ClinVar:

NM_031407.7(HUWE1):c.2230A>G (p.Thr744Ala)

Gene: HUWE1 (HECT, UBA and WWE domain containing E3 ubiquitin protein ligase 1; minus strand). Cytogenetic location: Xp11.22.
Variant type: single nucleotide variant.
Coding change: c.2230A>G on transcript NM_031407.7 (MANE Select); coding-DNA position 2230, A replaced by G.
Protein change: p.Thr744Ala; replaces threonine 744 with alanine.
Molecular consequence: missense variant.
Genome position (GRCh38, 1-based): chrX:53,614,565, T>C on the plus strand (A>G on the coding strand, the complement: HUWE1 is on the minus strand). VCF-style: chrX-53614565-T-C. GRCh37 (hg19) VCF-style: chrX-53641526-T-C.
Other names: short protein forms T744A.
Identifiers: ClinVar variation 1328884 (VCV001328884.2), dbSNP rs1557005524, ClinGen allele CA413144264.

ClinVar aggregate classification (germline): Uncertain significance (1 of 4 stars; one submission).

Allele frequency attached by ClinVar (database versions not stated): gnomAD 0.00001; TOPMed 0.00001.
gnomAD v4.1: 3 of 1,208,087 alleles (0.00025%); highest among the groups gnomAD compares: East Asian, 0.0059%; no homozygotes.

Submission:

GeneDx
Classification: Uncertain significance. Last evaluated: 2021-06-16. Review status: criteria provided, single submitter. Criteria: GeneDx Variant Classification Process June 2021. Collection method: clinical testing. Allele origin: germline. Affected: yes.
Comment: Not observed at significant frequency in large population cohorts (Lek et al., 2016); In silico analysis supports that this missense variant does not alter protein structure/function; Has not been previously published as pathogenic or benign to our knowledge; This variant is associated with the following publications: (PMID: 27535533)